The following is an entry in ClinVar:

NM_001330700.2(TOP2B):c.55G>A (p.Ala19Thr)

Genes: TOP2B (DNA topoisomerase II beta; minus strand), LOC129936375 (ATAC-STARR-seq lymphoblastoid silent region 14146; plus strand). Cytogenetic location: 3p24.2.
Variant type: single nucleotide variant.
Coding change: c.55G>A on transcript NM_001330700.2 (MANE Select); coding-DNA position 55, G replaced by A.
Protein change: p.Ala19Thr; replaces alanine 19 with threonine.
Molecular consequence: missense variant.
Genome position (GRCh38, 1-based): chr3:25,664,243, C>T on the plus strand (G>A on the coding strand, the complement: TOP2B is on the minus strand). VCF-style: chr3-25664243-C-T. GRCh37 (hg19) VCF-style: chr3-25705734-C-T.
Other names: c.55G>A, p.Ala19Thr (NM_001068.3); c.55G>A (NM_001330700.1, NM_001068.2); short protein forms A19T.
Identifiers: ClinVar variation 1506959 (VCV001506959.13), dbSNP rs777837072, ClinGen allele CA2288997.

ClinVar aggregate classification (germline): Uncertain significance. Review status: criteria provided, multiple submitters, no conflicts (2 of 4 stars). 4 submissions from 4 submitters: Uncertain significance (3). 1 of the submissions does not count toward it. Last evaluated 2025-12-09.

Conditions:
TOP2B-related disorder. Also called: TOP2B-related condition.

Allele frequency attached by ClinVar (database versions not stated): ExAC 0.00008.
gnomAD v4.1: 95 of 1,538,788 alleles (0.0062%); highest among the groups gnomAD compares: Middle Eastern, 0.39%; no homozygotes.

Submissions (4):

Labcorp Genetics (formerly Invitae), Labcorp
Classification: Uncertain significance. Last evaluated: 2025-12-09. Review status: criteria provided, single submitter. Criteria: Invitae Variant Classification Sherloc (09022015). Collection method: clinical testing. Allele origin: germline.
Comment: This sequence change replaces alanine, which is neutral and non-polar, with threonine, which is neutral and polar, at codon 19 of the TOP2B protein (p.Ala19Thr). The frequency data for this variant in the population databases is considered unreliable, as metrics indicate poor data quality at this position in the gnomAD database. This variant has not been reported in the literature in individuals affected with TOP2B-related conditions. ClinVar contains an entry for this variant (Variation ID: 1506959). An algorithm developed to predict the effect of missense changes on protein structure and function (PolyPhen-2) suggests that this variant is likely to be tolerated. In summary, the available evidence is currently insufficient to determine the role of this variant in disease. Therefore, it has been classified as a Variant of Uncertain Significance.

Ambry Genetics
Classification: Uncertain significance. Last evaluated: 2024-07-15. Review status: criteria provided, single submitter. Criteria: Ambry Variant Classification Scheme 2023. Collection method: clinical testing. Allele origin: germline.

Breakthrough Genomics
Classification: Uncertain significance. Review status: criteria provided, single submitter. Criteria: ACMG Guidelines, 2015. Collection method: not provided. Allele origin: germline. Inheritance: Autosomal dominant inheritance. Affected: yes.

PreventionGenetics, part of Exact Sciences
Classification: Uncertain significance for TOP2B-related condition. Last evaluated: 2023-12-11. Review status: no assertion criteria provided. Collection method: clinical testing. Allele origin: germline. Not counted in ClinVar's aggregate classification.
Comment: The TOP2B c.55G>A variant is predicted to result in the amino acid substitution p.Ala19Thr. To our knowledge, this variant has not been reported in the literature. This variant is reported in 0.0076% of alleles in individuals of European (Non-Finnish) descent in gnomAD, which may be too common to be causative of disease. Although we suspect that this variant may be benign, at this time, the clinical significance of this variant is uncertain due to the absence of conclusive functional and genetic evidence.